The following is an entry in ClinVar:

ClinVar aggregate classification (germline): Uncertain significance (1 of 4 stars; one submission).

Submission:

Ambry Genetics
Classification: Uncertain significance. Last evaluated: 2025-08-31. Review status: criteria provided, single submitter. Criteria: Ambry Variant Classification Scheme 2023. Collection method: clinical testing. Allele origin: germline.
Comment: The p.P36L variant (also known as c.107C>T), located in coding exon 1 of the WNK2 gene, results from a C to T substitution at nucleotide position 107. The proline at codon 36 is replaced by leucine, an amino acid with similar properties. This amino acid position is conserved. In addition, this alteration is predicted to be tolerated by in silico analysis. Based on the available evidence, the clinical significance of this variant remains unclear.

NM_006648.4(WNK2):c.107C>T (p.Pro36Leu)

Gene: WNK2 (WNK lysine deficient protein kinase 2; plus strand). Cytogenetic location: 9q22.31.
Variant type: single nucleotide variant.
Coding change: c.107C>T on transcript NM_006648.4 (MANE Select); coding-DNA position 107, C replaced by T.
Protein change: p.Pro36Leu; replaces proline 36 with leucine.
Molecular consequence: missense variant.
Genome position (GRCh38, 1-based): chr9:93,185,036, C>T. VCF-style: chr9-93185036-C-T. GRCh37 (hg19) VCF-style: chr9-95947318-C-T.
Other names: c.107C>T, p.Pro36Leu (NM_001282394.3); short protein forms P36L.
Identifiers: ClinVar variation 4201856 (VCV004201856.1).
Genomic context (GRCh38, chr9:93,185,036, plus strand): 5'-AGCCCGGGCGCGGCGCGGGGCCCGCGGGCATGGCGGAGCCTCGGGCGAAGGCGGCGCGGC[C>T]GGGGCCCCAGCGCTTTCTGCGGCGCAGCGTGGTAGAGTCGGACCAGGAGGAGCCGCCGGG-3'
Protein context (NP_006639.3, residues 26-46): MAEPRAKAAR[Pro36Leu]GPQRFLRRSV